The following is an entry in ClinVar:

NM_002471.4(MYH6):c.2658G>C (p.Lys886Asn)

Gene: MYH6 (myosin heavy chain 6; minus strand). Cytogenetic location: 14q11.2.
Variant type: single nucleotide variant.
Coding change: c.2658G>C on transcript NM_002471.4 (MANE Select); coding-DNA position 2658, G replaced by C.
Protein change: p.Lys886Asn; replaces lysine 886 with asparagine.
Molecular consequence: missense variant.
Genome position (GRCh38, 1-based): chr14:23,394,095, C>G on the plus strand (G>C on the coding strand, the complement: MYH6 is on the minus strand). VCF-style: chr14-23394095-C-G. GRCh37 (hg19) VCF-style: chr14-23863304-C-G.
Other names: short protein forms K886N.
Identifiers: ClinVar variation 1483166 (VCV001483166.8), dbSNP rs749609972, ClinGen allele CA7115416.
Genomic context (GRCh38, chr14:23,394,095, plus strand): 5'-GAGAGGGCTGAAGAGATAATCACGTGGCCTCACCGCCTGCACTTGGAGCTGCAGGTCATT[C>G]TTCTCCTGCAGCAGGGACACCATCTTCTCCTCCAGCTCCTTGCGGCGAGCCTCGGACTTC-3'
Protein context (NP_002462.2, residues 876-896): EEKMVSLLQE[Lys886Asn]NDLQLQVQAE

ClinVar aggregate classification (germline): Uncertain significance (1 of 4 stars; one submission).

Conditions:
Hypertrophic cardiomyopathy 14. Identifiers: MedGen C2750467, MONDO:0013197, OMIM 613251.

Allele frequency attached by ClinVar (database versions not stated): gnomAD exomes below 0.00001; ExAC 0.00001.

Submission:

Labcorp Genetics (formerly Invitae), Labcorp
Classification: Uncertain significance for Hypertrophic cardiomyopathy 14. Last evaluated: 2022-07-19. Review status: criteria provided, single submitter. Criteria: Invitae Variant Classification Sherloc (09022015). Collection method: clinical testing. Allele origin: germline.
Comment: This variant is present in population databases (rs749609972, gnomAD 0.003%). This sequence change replaces lysine, which is basic and polar, with asparagine, which is neutral and polar, at codon 886 of the MYH6 protein (p.Lys886Asn). This missense change has been observed in individual(s) with dilated cardiomyopathy (PMID: 32969603). ClinVar contains an entry for this variant (Variation ID: 1483166). Algorithms developed to predict the effect of missense changes on protein structure and function are either unavailable or do not agree on the potential impact of this missense change (SIFT: "Tolerated"; PolyPhen-2: "Probably Damaging"; Align-GVGD: "Class C0"). In summary, the available evidence is currently insufficient to determine the role of this variant in disease. Therefore, it has been classified as a Variant of Uncertain Significance.

Literature cited by the submitters: PubMed 32969603.